The following is an entry in ClinVar:

NM_000291.4(PGK1):c.900A>C (p.Gln300His)

Gene: PGK1 (phosphoglycerate kinase 1; plus strand). Cytogenetic location: Xq21.1.
Variant type: single nucleotide variant.
Coding change: c.900A>C on transcript NM_000291.4 (MANE Select); coding-DNA position 900, A replaced by C.
Protein change: p.Gln300His; replaces glutamine 300 with histidine.
Molecular consequence: missense variant.
Genome position (GRCh38, 1-based): chrX:78,123,338, A>C. VCF-style: chrX-78123338-A-C. GRCh37 (hg19) VCF-style: chrX-77378835-A-C.
Other names: short protein forms Q300H.
Identifiers: ClinVar variation 1911609 (VCV001911609.5), dbSNP rs1242124261, ClinGen allele CA413716915.

ClinVar aggregate classification (germline): Uncertain significance (1 of 4 stars; one submission).

Allele frequency attached by ClinVar (database versions not stated): gnomAD exomes 0.00002; TOPMed 0.00002; gnomAD 0.00004.
gnomAD v4.1: 30 of 1,209,139 alleles (0.0025%); highest among the groups gnomAD compares: Non-Finnish European, 0.0031%; no homozygotes.

Submission:

Labcorp Genetics (formerly Invitae), Labcorp
Classification: Uncertain significance. Last evaluated: 2026-02-02. Review status: criteria provided, single submitter. Criteria: Invitae Variant Classification Sherloc (09022015). Collection method: clinical testing. Allele origin: germline.
Comment: This sequence change replaces glutamine, which is neutral and polar, with histidine, which is basic and polar, at codon 300 of the PGK1 protein (p.Gln300His). This variant is present in population databases (no rsID available, gnomAD 0.003%), including at least one homozygous and/or hemizygous individual. This variant has not been reported in the literature in individuals affected with PGK1-related conditions. ClinVar contains an entry for this variant (Variation ID: 1911609). Invitae Evidence Modeling of protein sequence and biophysical properties (such as structural, functional, and spatial information, amino acid conservation, physicochemical variation, residue mobility, and thermodynamic stability) indicates that this missense variant is not expected to disrupt PGK1 protein function with a negative predictive value of 80%. In summary, the available evidence is currently insufficient to determine the role of this variant in disease. Therefore, it has been classified as a Variant of Uncertain Significance.